The following is an entry in ClinVar:

NM_000540.3(RYR1):c.12979G>A (p.Glu4327Lys)

Gene: RYR1 (ryanodine receptor 1; plus strand). Cytogenetic location: 19q13.2.
Variant type: single nucleotide variant.
Coding change: c.12979G>A on transcript NM_000540.3 (MANE Select); coding-DNA position 12979, G replaced by A.
Protein change: p.Glu4327Lys; replaces glutamic acid 4327 with lysine.
Molecular consequence: missense variant.
Genome position (GRCh38, 1-based): chr19:38,565,313, G>A. VCF-style: chr19-38565313-G-A. GRCh37 (hg19) VCF-style: chr19-39055953-G-A.
Other names: c.12964G>A, p.Glu4322Lys (NM_001042723.2); short protein forms E4322K, E4327K.
Identifiers: ClinVar variation 3342987 (VCV003342987.1).
Genomic context (GRCh38, chr19:38,565,313, plus strand): 5'-GGCCTCAGCTACCGCAGCCTGCGGCGGCGCGTGCGGCGGCTGCGGCGGCTTACGGCCCGC[G>A]AGGCGGCCACCGCAGTGGCGGCGCTGCTCTGGGCAGCAGTGACGCGCGCTGGGGCCGCTG-3'
Protein context (NP_000531.2, residues 4317-4337): VRRLRRLTAR[Glu4327Lys]AATAVAALLW

ClinVar aggregate classification (germline): Uncertain significance (1 of 4 stars; one submission).

gnomAD v4.1: 4 of 1,143,252 alleles (0.00035%); highest among the groups gnomAD compares: Non-Finnish European, 0.00043%; no homozygotes.

Submission:

GeneDx
Classification: Uncertain significance. Last evaluated: 2023-04-10. Review status: criteria provided, single submitter. Criteria: GeneDx Variant Classification Process June 2021. Collection method: clinical testing. Allele origin: germline. Affected: yes.
Comment: Not observed at significant frequency in large population cohorts (gnomAD); In silico analysis supports that this missense variant does not alter protein structure/function; Has not been previously published as pathogenic or benign to our knowledge